The following is an entry in ClinVar:

ClinVar aggregate classification (germline): Likely benign (0 of 4 stars; one submission).

Conditions:
SPECC1L-related disorder. Also called: SPECC1L-related condition.

Allele frequency attached by ClinVar (database versions not stated): gnomAD 0.00001; gnomAD exomes 0.00001.
gnomAD v4.1: 17 of 1,614,136 alleles (0.0011%); highest among the groups gnomAD compares: Middle Eastern, 0.26%; no homozygotes.

Submission:

PreventionGenetics, part of Exact Sciences
Classification: Likely benign for SPECC1L-related condition. Last evaluated: 2019-03-05. Review status: no assertion criteria provided. Collection method: clinical testing. Allele origin: germline.
Comment: This variant is classified as likely benign based on ACMG/AMP sequence variant interpretation guidelines (Richards et al. 2015 PMID: 25741868, with internal and published modifications).

NM_015330.6(SPECC1L):c.3054G>T (p.Leu1018=)

Genes: SPECC1L (sperm antigen with calponin homology and coiled-coil domains 1 like; plus strand), SPECC1L-ADORA2A (SPECC1L-ADORA2A readthrough (NMD candidate); plus strand). Cytogenetic location: 22q11.23.
Variant type: single nucleotide variant.
Coding change: c.3054G>T on transcript NM_015330.6 (MANE Select); coding-DNA position 3054, G replaced by T.
Protein change: p.Leu1018=; no amino-acid change (leucine 1018 retained).
Molecular consequence: synonymous variant. On other transcripts: non-coding transcript variant (1).
Genome position (GRCh38, 1-based): chr22:24,369,287, G>T. VCF-style: chr22-24369287-G-T. GRCh37 (hg19) VCF-style: chr22-24765255-G-T.
Other names: c.3054G>T, p.Leu1018= (NM_001145468.4, NM_001254732.3); c.252G>T, p.Leu84= (NM_001254733.2).
Identifiers: ClinVar variation 3047337 (VCV003047337.2), dbSNP rs866220474, ClinGen allele CA322642744.
Genomic context (GRCh38, chr22:24,369,287, plus strand): 5'-GAAAGACCCTCTCTCAGCATTGGCCAGAGAATATGGAGGATCAAAGAGGAACGCCTTGCT[G>T]AAGTGGTGTCAGAAGAAAACAGAAGGCTATCAGGTAATCATATGATTCTTTTGTCCCATG-3'
Protein context (NP_056145.5, residues 1008-1028): EYGGSKRNAL[Leu1018=]KWCQKKTEGY